The following is an entry in ClinVar:

ClinVar aggregate classification (germline): Uncertain significance (1 of 4 stars; one submission).

Conditions:
Hereditary cancer-predisposing syndrome. Also called: Tumor predisposition; Hereditary Cancer Syndrome; Hereditary neoplastic syndrome; Neoplastic Syndromes, Hereditary. Identifiers: Orphanet 140162, MedGen C0027672, MeSH D009386, MONDO:0015356.

Submission:

Ambry Genetics
Classification: Uncertain significance for Hereditary cancer-predisposing syndrome. Last evaluated: 2024-06-08. Review status: criteria provided, single submitter. Criteria: Ambry Variant Classification Scheme 2023. Collection method: clinical testing. Allele origin: germline.
Comment: The c.3320_3329del10insCCTG variant (also known as p.L1107_L1110delinsPC), located in coding exon 12 of the PALB2 gene, results from an in-frame deletion of TGTACTGTCT and insertion of CCTG at nucleotide positions 3320 to 3329. This results in the substitution of four residues (LYCL) for a proline and cysteine residue at codons 1107 and 1108. This amino acid region is well conserved in available vertebrate species. In addition, this alteration is predicted to be deleterious by in silico analysis (Choi Y et al. PLoS ONE. 2012; 7(10):e46688). Since supporting evidence is limited at this time, the clinical significance of this alteration remains unclear.

NM_024675.4(PALB2):c.3320_3329delinsCCTG (p.Leu1107_Leu1110delinsProCys)

Gene: PALB2 (partner and localizer of BRCA2; minus strand). Cytogenetic location: 16p12.2.
Variant type: Indel.
Coding change: c.3320_3329delinsCCTG on transcript NM_024675.4 (MANE Select); coding-DNA positions 3320 to 3329, TGTACTGTCT replaced by CCTG.
Protein change: p.Leu1107_Leu1110delinsProCys.
Molecular consequence: inframe indel. On other transcripts: intron variant (8).
Genome position (GRCh38, 1-based): chr16:23,607,885-23,607,894, AGACAGTACA replaced by CAGG on the plus strand (TGTACTGTCT replaced by CCTG on the coding strand, the reverse complement: PALB2 is on the minus strand). VCF-style: chr16-23607885-AGACAGTACA-CAGG. GRCh37 (hg19) VCF-style: chr16-23619206-AGACAGTACA-CAGG.
Other names: c.3260_3269delinsCCTG, p.Leu1087_Leu1090delinsProCys (NM_001407296.1); c.3248_3257delinsCCTG, p.Leu1083_Leu1086delinsProCys (NM_001407297.1); c.3158_3167delinsCCTG, p.Leu1053_Leu1056delinsProCys (NM_001407298.1); c.3041_3050delinsCCTG, p.Leu1014_Leu1017delinsProCys (NM_001407300.1); c.2435_2444delinsCCTG, p.Leu812_Leu815delinsProCys (NM_001407304.1, NM_001407305.1, NM_001407306.1); c.2273_2282delinsCCTG, p.Leu758_Leu761delinsProCys (NM_001407307.1); c.1532_1541delinsCCTG, p.Leu511_Leu514delinsProCys (NM_001407312.1); c.854_863delinsCCTG, p.Leu285_Leu288delinsProCys (NM_001407314.1); and 7 more.
Identifiers: ClinVar variation 3304010 (VCV003304010.1).